The following is an entry in ClinVar:

ClinVar aggregate classification (germline): Uncertain significance. Review status: criteria provided, multiple submitters, no conflicts (2 of 4 stars). 2 submissions from 2 submitters: Uncertain significance (2). Last evaluated 2025-10-16.

Conditions:
POLD1-related polyposis and colorectal cancer syndrome (CRCS10). Also called: Colorectal cancer 10; COLORECTAL CANCER, SUSCEPTIBILITY TO, ON CHROMOSOME 19q; Colorectal cancer, susceptibility to, 10. Identifiers: Orphanet 220460, MedGen C2675481, MONDO:0012953, OMIM 612591.
Hereditary cancer-predisposing syndrome. Also called: Tumor predisposition; Hereditary Cancer Syndrome; Hereditary neoplastic syndrome; Neoplastic Syndromes, Hereditary. Identifiers: Orphanet 140162, MedGen C0027672, MeSH D009386, MONDO:0015356.

Allele frequency attached by ClinVar (database versions not stated): gnomAD exomes below 0.00001; ExAC 0.00001.
gnomAD v4.1: 1 of 1,610,988 alleles (0.000062%); highest among the groups gnomAD compares: South Asian, 0.0011%; no homozygotes.

Submissions (2):

Ambry Genetics
Classification: Uncertain significance for Hereditary cancer-predisposing syndrome. Last evaluated: 2025-10-16. Review status: criteria provided, single submitter. Criteria: Ambry Variant Classification Scheme 2023. Collection method: clinical testing. Allele origin: germline.
Comment: The p.T238A variant (also known as c.712A>G), located in coding exon 5 of the POLD1 gene, results from an A to G substitution at nucleotide position 712. The threonine at codon 238 is replaced by alanine, an amino acid with similar properties. This amino acid position is conserved. In addition, this alteration is predicted to be tolerated by in silico analysis. Based on the available evidence, the clinical significance of this variant remains unclear.

Labcorp Genetics (formerly Invitae), Labcorp
Classification: Uncertain significance for POLD1-related polyposis and colorectal cancer syndrome. Last evaluated: 2019-12-23. Review status: criteria provided, single submitter. Criteria: Invitae Variant Classification Sherloc (09022015). Collection method: clinical testing. Allele origin: germline.
Comment: This sequence change replaces threonine with alanine at codon 238 of the POLD1 protein (p.Thr238Ala). The threonine residue is moderately conserved and there is a small physicochemical difference between threonine and alanine. In summary, the available evidence is currently insufficient to determine the role of this variant in disease. Therefore, it has been classified as a Variant of Uncertain Significance. Algorithms developed to predict the effect of missense changes on protein structure and function (SIFT, PolyPhen-2, Align-GVGD) all suggest that this variant is likely to be tolerated, but these predictions have not been confirmed by published functional studies and their clinical significance is uncertain. This variant has not been reported in the literature in individuals with POLD1-related conditions. This variant is present in population databases (rs767544834, ExAC 0.007%).

NM_002691.4(POLD1):c.712A>G (p.Thr238Ala)

Gene: POLD1 (DNA polymerase delta 1, catalytic subunit; plus strand). Cytogenetic location: 19q13.33.
Variant type: single nucleotide variant.
Coding change: c.712A>G on transcript NM_002691.4 (MANE Select); coding-DNA position 712, A replaced by G.
Protein change: p.Thr238Ala; replaces threonine 238 with alanine.
Molecular consequence: missense variant. On other transcripts: non-coding transcript variant (1).
Genome position (GRCh38, 1-based): chr19:50,402,327, A>G. VCF-style: chr19-50402327-A-G. GRCh37 (hg19) VCF-style: chr19-50905584-A-G.
Other names: c.712A>G, p.Thr238Ala (NM_001256849.1, NM_001308632.1); c.712A>G (NM_002691.2); short protein forms T238A.
Identifiers: ClinVar variation 858097 (VCV000858097.11), dbSNP rs767544834, ClinGen allele CA9595866.